The following is an entry in ClinVar:

ClinVar aggregate classification (germline): Pathogenic. Review status: criteria provided, multiple submitters, no conflicts (2 of 4 stars). 6 submissions from 6 submitters: Pathogenic (6). Last evaluated 2026-01-12.

Conditions:
Cardiovascular phenotype. Identifiers: MedGen CN230736.
Hereditary hemorrhagic telangiectasia (HHT). Also called: ORW DISEASE; Osler Weber Rendu syndrome; OSLER-RENDU-WEBER DISEASE; Osler hemorrhagic telangiectasia syndrome. Identifiers: Orphanet 774, MedGen C0039445, MONDO:0019180. Disease mechanism: loss of function.
ENG-related disorder. Also called: ENG-related condition; ENG-related disorders.

Submissions (6):

Labcorp Genetics (formerly Invitae), Labcorp
Classification: Pathogenic for Hereditary hemorrhagic telangiectasia. Last evaluated: 2026-01-12. Review status: criteria provided, single submitter. Criteria: Invitae Variant Classification Sherloc (09022015). Collection method: clinical testing. Allele origin: germline.
Comment: This sequence change affects a donor splice site in intron 12 of the ENG gene. It is expected to disrupt RNA splicing. Variants that disrupt the donor or acceptor splice site typically lead to a loss of protein function (PMID: 16199547), and loss-of-function variants in ENG are known to be pathogenic (PMID: 15879500). This variant is not present in population databases (gnomAD no frequency). Disruption of this splice site has been observed in individuals with hereditary hemorrhagic telangiectasia (PMID: 16429404, 18673552, 25970827). ClinVar contains an entry for this variant (Variation ID: 439649). Algorithms developed to predict the effect of sequence changes on RNA splicing suggest that this variant may disrupt the consensus splice site. For these reasons, this variant has been classified as Pathogenic.

Genetic Services Laboratory, University of Chicago
Classification: Pathogenic. Last evaluated: 2024-10-20. Review status: criteria provided, single submitter. Criteria: ACMG Guidelines, 2015. Collection method: clinical testing. Allele origin: germline. Affected: yes.
Comment: DNA sequence analysis of the ENG gene demonstrated a sequence change in the canonical splice donor site of intron 12, c.1686+1G>A. This sequence change has not been described in population databases such as ExAC and gnomAD. This sequence change has previously been described in individuals with ENG-related disorders (PMID: 23805858, 25970827). This sequence change is predicted to affect normal splicing of the ENG gene and result in an abnormal protein. Collectively, this evidence indicates that this variant is likely pathogenic, however functional studies have not been performed to prove this conclusively.

GeneDx
Classification: Pathogenic. Last evaluated: 2021-09-29. Review status: criteria provided, single submitter. Criteria: GeneDx Variant Classification Process June 2021. Collection method: clinical testing. Allele origin: germline. Affected: yes.
Comment: Not observed at significant frequency in large population cohorts (Lek et al., 2016); Canonical splice site variant predicted to result in a null allele in a gene for which loss-of-function is a known mechanism of disease; Reported in ClinVar as pathogenic (ClinVar Variant ID# 439649; Landrum et al., 2016); This variant is associated with the following publications: (PMID: 18673552, 16429404, 23805858, 25970827)

Blueprint Genetics
Classification: Pathogenic for ENG-related disorders. Last evaluated: 2020-03-04. Review status: criteria provided, single submitter. Criteria: ACMG Guidelines, 2015. Collection method: clinical testing. Allele origin: germline. Affected: yes. Observed: 2 variant alleles.

Ambry Genetics
Classification: Pathogenic for Cardiovascular phenotype. Last evaluated: 2017-04-17. Review status: criteria provided, single submitter. Criteria: Ambry Variant Classification Scheme 2023. Collection method: clinical testing. Allele origin: germline.
Comment: The c.1686+1G>A intronic pathogenic mutation results from a G to A substitution one nucleotide after coding exon 12 of the ENG gene. This mutation was identified in an individual with epistaxis, telangiectasias, and pulmonary and cerebral arteriovenous malformations (Lux A et al. Orphanet J Rare Dis, 2013 Jun;8:94). It was also identified in 2 individuals from one Norwegian hereditary hemorrhagic telangiectasia family (Heimdal K et al. Clin. Genet., 2016 Feb;89:182-6). In addition to the clinical data presented in the literature, alterations that disrupt the canonical splice site are expected to cause aberrant splicing, resulting in an abnormal protein or a transcript that is subject to nonsense-mediated mRNA decay. As such, this alteration is classified as a disease-causing mutation.

ARUP Laboratories, Molecular Genetics and Genomics, ARUP Laboratories
Classification: Pathogenic. Last evaluated: 2016-10-12. Review status: criteria provided, single submitter. Criteria: ARUP Molecular Germline Variant Investigation Process. Collection method: clinical testing. Allele origin: germline.

Literature cited by the submitters: PubMed 16199547 (cited by Labcorp Genetics (formerly Invitae), Labcorp); PubMed 15879500 (cited by Labcorp Genetics (formerly Invitae), Labcorp); PubMed 16429404 (cited by Labcorp Genetics (formerly Invitae), Labcorp); PubMed 18673552 (cited by Labcorp Genetics (formerly Invitae), Labcorp); PubMed 25970827 (cited by Labcorp Genetics (formerly Invitae), Labcorp and Ambry Genetics); PubMed 23805858 (cited by Ambry Genetics).

NM_001114753.3(ENG):c.1686+1G>A

Genes: ENG (endoglin; minus strand), LOC102723566 (uncharacterized LOC102723566; plus strand). Cytogenetic location: 9q34.11.
Variant type: single nucleotide variant.
Coding change: c.1686+1G>A on transcript NM_001114753.3 (MANE Select); the canonical splice donor site of the intron after coding-DNA position 1686, G replaced by A.
Molecular consequence: splice donor variant.
Genome position (GRCh38, 1-based): chr9:127,818,119, C>T on the plus strand (G>A on the coding strand, the complement: ENG is on the minus strand). VCF-style: chr9-127818119-C-T. GRCh37 (hg19) VCF-style: chr9-130580398-C-T.
Other names: c.1686+1G>A (NM_001114753.1, NM_000118.4); c.1140+1G>A (NM_001278138.2).
Identifiers: ClinVar variation 439649 (VCV000439649.23), dbSNP rs1554809228, ClinGen allele CA374973969.